The following is an entry in ClinVar:

ClinVar aggregate classification (germline): Uncertain significance. Review status: criteria provided, multiple submitters, no conflicts (2 of 4 stars). 2 submissions from 2 submitters: Uncertain significance (2). Last evaluated 2024-11-19.

Allele frequency attached by ClinVar (database versions not stated): gnomAD 0.00006; gnomAD exomes 0.00006; TOPMed 0.00009; ExAC 0.00015.
gnomAD v4.1: 102 of 1,581,410 alleles (0.0064%); highest among the groups gnomAD compares: Non-Finnish European, 0.0078%; no homozygotes.

Submissions (2):

Labcorp Genetics (formerly Invitae), Labcorp
Classification: Uncertain significance. Last evaluated: 2024-11-19. Review status: criteria provided, single submitter. Criteria: Invitae Variant Classification Sherloc (09022015). Collection method: clinical testing. Allele origin: germline.
Comment: This sequence change replaces serine, which is neutral and polar, with glycine, which is neutral and non-polar, at codon 843 of the FCHO1 protein (p.Ser843Gly). This variant is present in population databases (rs779019706, gnomAD 0.01%). This variant has not been reported in the literature in individuals affected with FCHO1-related conditions. ClinVar contains an entry for this variant (Variation ID: 1441532). An algorithm developed to predict the effect of missense changes on protein structure and function (PolyPhen-2) suggests that this variant¬†is likely to be tolerated. In summary, the available evidence is currently insufficient to determine the role of this variant in disease. Therefore, it has been classified as a Variant of Uncertain Significance.

GeneDx
Classification: Uncertain significance. Last evaluated: 2022-10-06. Review status: criteria provided, single submitter. Criteria: GeneDx Variant Classification Process June 2021. Collection method: clinical testing. Allele origin: germline. Affected: yes.
Comment: In silico analysis supports that this missense variant does not alter protein structure/function; Has not been previously published as pathogenic or benign to our knowledge

NM_015122.3(FCHO1):c.2527A>G (p.Ser843Gly)

Gene: FCHO1 (FCH and mu domain containing endocytic adaptor 1; plus strand). Cytogenetic location: 19p13.11.
Variant type: single nucleotide variant.
Coding change: c.2527A>G on transcript NM_015122.3 (MANE Select); coding-DNA position 2527, A replaced by G.
Protein change: p.Ser843Gly; replaces serine 843 with glycine.
Molecular consequence: missense variant. On other transcripts: non-coding transcript variant (36).
Genome position (GRCh38, 1-based): chr19:17,787,726, A>G. VCF-style: chr19-17787726-A-G. GRCh37 (hg19) VCF-style: chr19-17898535-A-G.
Other names: c.2527A>G, p.Ser843Gly (NM_001161357.2, NM_001161358.2, NM_001384370.1 and 11 more transcripts); c.2377A>G, p.Ser793Gly (NM_001161359.2, NM_001384384.1, NM_001384385.1 and 1 more transcripts); c.2506A>G, p.Ser836Gly (NM_001384387.1); c.2488A>G, p.Ser830Gly (NM_001384388.1, NM_001384389.1); c.2452A>G, p.Ser818Gly (NM_001384390.1); c.2327A>G, p.Gln776Arg (NM_001384391.1); c.2410A>G, p.Ser804Gly (NM_001384392.1, NM_001384393.1, NM_001384394.1 and 1 more transcripts); c.2251A>G, p.Ser751Gly (NM_001384396.1, NM_001384397.1, NM_001384398.1 and 4 more transcripts); and 6 more; short protein forms Q684R, S736G, S793G, S804G, S542G, S719G, S830G, Q634R.
Identifiers: ClinVar variation 1441532 (VCV001441532.4), dbSNP rs779019706, ClinGen allele CA9300916.